The following is an entry in ClinVar:

NM_030653.4(DDX11):c.419G>A (p.Arg140Gln)

Gene: DDX11 (DEAD/H-box helicase 11; plus strand). Cytogenetic location: 12p11.21.
Variant type: single nucleotide variant.
Coding change: c.419G>A on transcript NM_030653.4 (MANE Select); coding-DNA position 419, G replaced by A.
Protein change: p.Arg140Gln; replaces arginine 140 with glutamine.
Molecular consequence: missense variant.
Genome position (GRCh38, 1-based): chr12:31,084,608, G>A. VCF-style: chr12-31084608-G-A. GRCh37 (hg19) VCF-style: chr12-31237542-G-A.
Other names: c.419G>A, p.Arg140Gln (NM_001257144.2, NM_004399.3, NM_152438.2); c.341G>A, p.Arg114Gln (NM_001257145.2); short protein forms R114Q, R140Q.
Identifiers: ClinVar variation 715882 (VCV000715882.30), dbSNP rs149257160, ClinGen allele CA6500736.

ClinVar aggregate classification (germline): Benign/Likely benign. Review status: criteria provided, multiple submitters, no conflicts (2 of 4 stars). 4 submissions from 4 submitters: Benign (2); Likely benign (2). Last evaluated 2026-09-01.

Allele frequency attached by ClinVar (database versions not stated): 1000 Genomes Project 0.00200; 1000 Genomes Project 30x 0.00219; TOPMed 0.00332; gnomAD exomes 0.00355 and 0.00504; ESP Exome Variant Server 0.00393; gnomAD 0.00415 and 0.00438; ExAC 0.00554.

Submissions (4):

CeGaT Center for Human Genetics Tuebingen
Classification: Likely benign. Last evaluated: 2026-09-01. Review status: criteria provided, single submitter. Criteria: CeGaT Center For Human Genetics Tuebingen Variant Classification Criteria Version 2. Collection method: clinical testing. Allele origin: germline. Affected: yes. Observed: 17 variant alleles.
Comment: DDX11: BP4, BS2

Labcorp Genetics (formerly Invitae), Labcorp
Classification: Benign. Last evaluated: 2026-01-17. Review status: criteria provided, single submitter. Criteria: Invitae Variant Classification Sherloc (09022015). Collection method: clinical testing. Allele origin: germline.

Blueprint Genetics
Classification: Likely benign. Last evaluated: 2024-11-25. Review status: criteria provided, single submitter. Criteria: ACMG Guidelines, 2015. Collection method: clinical testing. Allele origin: germline.

Breakthrough Genomics
Classification: Benign. Review status: criteria provided, single submitter. Criteria: ACMG Guidelines, 2015. Collection method: not provided. Allele origin: germline. Inheritance: Autosomal recessive inheritance. Affected: yes.